The following is an entry in ClinVar:

NM_002834.5(PTPN11):c.172A>C (p.Asn58His)

Gene: PTPN11 (protein tyrosine phosphatase non-receptor type 11; plus strand). Cytogenetic location: 12q24.13.
Variant type: single nucleotide variant.
Coding change: c.172A>C on transcript NM_002834.5 (MANE Select); coding-DNA position 172, A replaced by C.
Protein change: p.Asn58His; replaces asparagine 58 with histidine.
Molecular consequence: missense variant.
Genome position (GRCh38, 1-based): chr12:112,450,352, A>C. VCF-style: chr12-112450352-A-C. GRCh37 (hg19) VCF-style: chr12-112888156-A-C.
Other names: p.N58H:AAC>CAC; c.172A>C, p.Asn58His (NM_001330437.2, NM_080601.3); c.169A>C, p.Asn57His (NM_001374625.1); short protein forms N58H, N57H.
Identifiers: ClinVar variation 40486 (VCV000040486.27), dbSNP rs397507505, ClinGen allele CA235310.
Genomic context (GRCh38, chr12:112,450,352, plus strand): 5'-CCTCCCTTTCCAATGGACTATTTTAGAAGAAATGGAGCTGTCACCCACATCAAGATTCAG[A>C]ACACTGGTGATTACTATGACCTGTATGGAGGGGAGAAATTTGCCACTTTGGCTGAGTTGG-3'
Protein context (NP_002825.3, residues 48-68): NGAVTHIKIQ[Asn58His]TGDYYDLYGG

ClinVar aggregate classification (germline): Pathogenic. Review status: criteria provided, multiple submitters, no conflicts (2 of 4 stars). 13 submissions from 13 submitters: Pathogenic (11). 2 of the submissions do not count toward it. Last evaluated 2025-12-24.

Conditions:
PTPN11-related disorder. Also called: PTPN11-Related Disorders.
RASopathy. Also called: rasopathies; Noonan spectrum disorder. Identifiers: Orphanet 536391, MedGen C5555857, MONDO:0021060.
Noonan syndrome (NS). Also called: Noonan's syndrome. Identifiers: Orphanet 648, MedGen C0028326, MeSH D009634, MONDO:0018997. Disease mechanism: gain of function.
Noonan syndrome 1 (NS1). Also called: FEMALE PSEUDO-TURNER SYNDROME; TURNER PHENOTYPE WITH NORMAL KARYOTYPE; PTPN11-Related Noonan Syndrome. Identifiers: Orphanet 648, MedGen C4551602, MONDO:0008104, OMIM 163950. Disease mechanism: gain of function.

Submissions 1 to 7 of 13:

3billion
Classification: Pathogenic for Noonan syndrome 1. Last evaluated: 2025-12-24. Review status: criteria provided, single submitter. Criteria: ACMG Guidelines, 2015. Collection method: clinical testing. Allele origin: germline. Affected: yes.
Comment: The variant is not observed in the gnomAD v4.1.0 dataset. Predicted Consequence/Location: The variant is located in a mutational hot spot and/or well-established functional domain in which established pathogenic variants have been reported. Missense variant. Missense changes are a common disease-causing mechanism. In silico tool predictions suggest damaging effect of the variant on gene or gene product [REVEL: 0.76 (>=0.6, sensitivity 0.68 and specificity 0.92); 3Cnet: 1.00 (> 0.75, sensitivity 0.96 and precision 0.92)]. The same nucleotide change resulting in the same amino acid change has been previously reported as pathogenic/likely pathogenic with strong evidence (ClinVar ID: VCV000040486 /PMID: 16263833 /3billion dataset). Different missense changes at the same codon (p.Asn58Asp, p.Asn58Lys, p.Asn58Ser, p.Asn58Thr, p.Asn58Tyr) have been reported as pathogenic/likely pathogenic with strong evidence (ClinVar ID: VCV000040487, VCV000040488, VCV000040489, VCV000181494 /PMID: 12634870, 15001945, 26633542, 29907801, 34358384, 39433808 /3billion dataset). Therefore, this variant is classified as Pathogenic according to the recommendation of ACMG/AMP guideline.

Labcorp Genetics (formerly Invitae), Labcorp
Classification: Pathogenic for RASopathy. Last evaluated: 2025-08-20. Review status: criteria provided, single submitter. Criteria: Invitae Variant Classification Sherloc (09022015). Collection method: clinical testing. Allele origin: germline.
Comment: This sequence change replaces asparagine, which is neutral and polar, with histidine, which is basic and polar, at codon 58 of the PTPN11 protein (p.Asn58His). This variant is not present in population databases (gnomAD no frequency). This missense change has been observed in individuals with Noonan syndrome (PMID: 16263833, 16358218, 21204800, 23624134, 23756559). ClinVar contains an entry for this variant (Variation ID: 40486). Invitae Evidence Modeling of protein sequence and biophysical properties (such as structural, functional, and spatial information, amino acid conservation, physicochemical variation, residue mobility, and thermodynamic stability) indicates that this missense variant is expected to disrupt PTPN11 protein function with a positive predictive value of 95%. This variant disrupts the p.Asn58 amino acid residue in PTPN11. Other variant(s) that disrupt this residue have been determined to be pathogenic (PMID: 15001945, 15956085, 19125092). This suggests that this residue is clinically significant, and that variants that disrupt this residue are likely to be disease-causing. For these reasons, this variant has been classified as Pathogenic.

GeneDx
Classification: Pathogenic. Last evaluated: 2023-12-04. Review status: criteria provided, single submitter. Criteria: GeneDx Variant Classification Process June 2021. Collection method: clinical testing. Allele origin: germline. Affected: yes.
Comment: In silico analysis supports that this missense variant has a deleterious effect on protein structure/function; Missense variants in this gene are a common cause of disease and they are underrepresented in the general population; Not observed at significant frequency in large population cohorts (gnomAD); This variant is associated with the following publications: (PMID: 24803665, 33249554, 11992261, 9491886, 16053901, 29493581, 36349709, 33128510, 30417923, 26918529, 31219622, 23624134, 16263833)

ARUP Laboratories, Molecular Genetics and Genomics, ARUP Laboratories
Classification: Pathogenic. Last evaluated: 2023-10-04. Review status: criteria provided, single submitter. Criteria: ARUP Molecular Germline Variant Investigation Process 2024. Collection method: clinical testing. Allele origin: germline.
Comment: The PTPN11 c.172A>C; p.Asn58His variant (rs397507505) is reported in the literature in several individuals with Noonan syndrome (Hakami 2016, Kiel 2014, Li 2019, Limal 2006). This variant is also reported in ClinVar (Variation ID: 40486). It is absent from the Genome Aggregation Database, indicating it is not a common polymorphism. Computational analyses predict that this variant is deleterious (REVEL: 0.76). Additionally, the variant is located in the N-SH2 domain of PTPN11 (Hof 1998), and other variants at this residue have been implicated in Noonan syndrome (Tartaglia 2006). Based on available information, the p.Asn58His variant is considered to be pathogenic. References: Hakami F et al. Retrospective study of prenatal ultrasound findings in newborns with a Noonan spectrum disorder. Prenat Diagn. 2016 May;36(5):418-23. PMID: 26918529. Hof P et al. Crystal structure of the tyrosine phosphatase SHP-2. Cell. 1998 Feb 20;92(4):441-50. PMID: 9491886. Kiel C et al. Structure-energy-based predictions and network modelling of RASopathy and cancer missense mutations. Mol Syst Biol. 2014 May 6;10(5):727. PMID: 24803665. Limal JM et al. Noonan syndrome: relationships between genotype, growth, and growth factors. J Clin Endocrinol Metab. 2006 Jan;91(1):300-6. PMID: 16263833. Li X et al. Molecular and phenotypic spectrum of Noonan syndrome in Chinese patients. Clin Genet. 2019 Oct;96(4):290-299. PMID: 31219622. Tartaglia M et al. Diversity and functional consequences of germline and somatic PTPN11 mutations in human disease. Am J Hum Genet. 2006 Feb;78(2):279-90. PMID: 16358218.

Dasa
Classification: Pathogenic for Noonan syndrome. Last evaluated: 2022-03-25. Review status: criteria provided, single submitter. Criteria: ACMG Guidelines, 2015. Collection method: clinical testing. Allele origin: germline. Affected: yes. Observed: 1 variant allele.
Comment: The c.172A>C;p.(Asn58His) missense change has been observed in affected individual(s) and ClinVar contains an entry for this variant (Clinvar ID: 40486; PMID:22465605; PMID:33128510; PMID:16263833; PMID:16358218; PMID:23624134; PMID:26918529)- PS4. The variant is located in a mutational hot spot and/or critical and well-established functional domain (SH2 domain; PMID: 20301303) - PM1. Pathogenic missense variant in this residue have been reported (Clinvar ID: 40487; PMID: 26918529; 15001945; 22465605) - PM5. The variant was assumed de novo, but without confirmation of paternity and maternity (PMID: 22465605) - PM6. Missense variant in PTPN11 that has a low rate of benign missense variation and in which missense variants are a common mechanism of disease - PP2. Multiple lines of computational evidence support a deleterious effect on the gene or gene product - PP3. In summary, the currently available evidence indicates that the variant is pathogenic

Women's Health and Genetics/Laboratory Corporation of America, LabCorp
Classification: Pathogenic for RASopathy. Last evaluated: 2021-07-19. Review status: criteria provided, single submitter. Criteria: LabCorp Variant Classification Summary - May 2015. Collection method: clinical testing. Allele origin: germline.
Comment: Variant summary: PTPN11 c.172A>C (p.Asn58His) results in a conservative amino acid change located in the SH2 domain (IPR000980) of the encoded protein sequence. Four of five in-silico tools predict a damaging effect of the variant on protein function. The variant was absent in 251000 control chromosomes (gnomAD). c.172A>C has been reported in the literature in multiple individuals affected with Noonan Syndrome (e.g. Tartaglia_2005, Limal_2006, Bertelloni_2013, Hakami_2016, Bessis_2019, Li_2019). These data indicate that the variant is very likely to be associated with disease. To our knowledge, no experimental evidence demonstrating an impact on protein function has been reported. Other missense variants at the same codon (N58D, N58K, N58I) have been classified as pathogenic by our laboratory indicating the asparagine residue is critical for the protein function. Six ClinVar submitters (evaluation after 2014) cite the variant as pathogenic. Based on the evidence outlined above, the variant was classified as pathogenic.

Blueprint Genetics
Classification: Pathogenic for PTPN11-related disorders. Last evaluated: 2020-12-18. Review status: criteria provided, single submitter. Criteria: ACMG Guidelines, 2015. Collection method: clinical testing. Allele origin: germline. Affected: yes. Observed: 2 variant alleles.